The following is an entry in ClinVar:

NM_001377.3(DYNC2H1):c.2981del (p.Asn994fs)

Gene: DYNC2H1 (dynein cytoplasmic 2 heavy chain 1; plus strand). Cytogenetic location: 11q22.3.
Variant type: Deletion.
Coding change: c.2981del on transcript NM_001377.3 (MANE Select); coding-DNA position 2981, one base deleted (A; older notation c.2981delA).
Protein change: p.Asn994fs; shifts the reading frame from asparagine 994.
Molecular consequence: frameshift variant.
Genome position (GRCh38, 1-based): chr11:103,152,170, A deleted; the last of 5 consecutive A bases (chr11:103,152,166-103,152,170); deleting any one gives the same sequence. VCF-style (leftmost placement, unchanged base first): chr11-103152165-CA-C. GRCh37 (hg19) VCF-style: chr11-103022894-CA-C.
Other names: c.2981del, p.Asn994fs (NM_001080463.2); short protein forms N994fs.
Identifiers: ClinVar variation 2956576 (VCV002956576.3), dbSNP rs1202610425, ClinGen allele CA601240082.
Genomic context (GRCh38, chr11:103,152,165, plus strand): 5'-TTCAATTTGTTTTTTTTTTTTTAACCTTTAGATTTTGCCCTTATTTCAAGAAGCTGAAGA[CA>C]AAAACAGACTTTTACGAACTGTGGCTGGTGGAGGTTTAGAAACAATTAGTAATTTGAAAG-3'

ClinVar aggregate classification (germline): Pathogenic (1 of 4 stars; one submission).

Conditions:
Jeune thoracic dystrophy. Also called: Short-rib thoracic dysplasia; Jeune syndrome; Infantile thoracic dystrophy; Thoracic pelvic phalangeal dystrophy; Jeune's syndrome; Chondroectodermal dysplasia-like syndrome. Identifiers: Orphanet 474, MedGen C0265275, MONDO:0018770.

Submission:

Labcorp Genetics (formerly Invitae), Labcorp
Classification: Pathogenic for Jeune thoracic dystrophy. Last evaluated: 2023-10-24. Review status: criteria provided, single submitter. Criteria: Invitae Variant Classification Sherloc (09022015). Collection method: clinical testing. Allele origin: germline.
Comment: This sequence change creates a premature translational stop signal (p.Asn994Thrfs*12) in the DYNC2H1 gene. It is expected to result in an absent or disrupted protein product. Loss-of-function variants in DYNC2H1 are known to be pathogenic (PMID: 23339108, 32753734, 33755199). This variant is not present in population databases (gnomAD no frequency). This variant has not been reported in the literature in individuals affected with DYNC2H1-related conditions. For these reasons, this variant has been classified as Pathogenic.

Literature cited by the submitters: PubMed 23339108; PubMed 32753734; PubMed 33755199.